The following is an entry in ClinVar:

ClinVar aggregate classification (germline): Uncertain significance (1 of 4 stars; one submission).

Submission:

Labcorp Genetics (formerly Invitae), Labcorp
Classification: Uncertain significance. Last evaluated: 2023-08-20. Review status: criteria provided, single submitter. Criteria: Invitae Variant Classification Sherloc (09022015). Collection method: clinical testing. Allele origin: germline.
Comment: This variant results in a copy number gain of the genomic region encompassing exon(s) 2-3 of the STAT4 gene. This region includes the initiator codon of the gene. This copy number gain extends beyond the assayed region for this gene and therefore may encompass additional genes. As the precise location of this event is unknown, it may be in tandem or it may be located elsewhere in the genome. This variant has not been reported in the literature in individuals affected with STAT4-related conditions. Experimental studies and prediction algorithms are not available or were not evaluated, and the functional significance of this variant is currently unknown. In summary, the available evidence is currently insufficient to determine the role of this variant in disease. Therefore, it has been classified as a Variant of Uncertain Significance.

NC_000002.11:g.(?_191964633)_(192012929_?)dup

Gene: STAT4 (signal transducer and activator of transcription 4; minus strand). Cytogenetic location: 2q32.3.
Variant type: Duplication.
Identifiers: ClinVar variation 1374310 (VCV001374310.6).